The following is an entry in ClinVar:

NM_177438.3(DICER1):c.4859G>A (p.Ser1620Asn)

Gene: DICER1 (dicer 1, ribonuclease III; minus strand). Cytogenetic location: 14q32.13.
Variant type: single nucleotide variant.
Coding change: c.4859G>A on transcript NM_177438.3 (MANE Select); coding-DNA position 4859, G replaced by A.
Protein change: p.Ser1620Asn; replaces serine 1620 with asparagine.
Molecular consequence: missense variant.
Genome position (GRCh38, 1-based): chr14:95,096,061, C>T on the plus strand (G>A on the coding strand, the complement: DICER1 is on the minus strand). VCF-style: chr14-95096061-C-T. GRCh37 (hg19) VCF-style: chr14-95562398-C-T.
Other names: c.4859G>A, p.Ser1620Asn (NM_001195573.1, NM_001271282.3, NM_001291628.2 and 1 more transcripts); short protein forms S1620N.
Identifiers: ClinVar variation 477224 (VCV000477224.13), dbSNP rs1555367601, ClinGen allele CA390866697.

ClinVar aggregate classification (germline): Conflicting classifications of pathogenicity. Review status: criteria provided, conflicting classifications (1 of 4 stars). 2 submissions from 2 submitters: Uncertain significance (1); Likely benign (1). Last evaluated 2025-10-05.

Conditions:
DICER1-related tumor predisposition. Also called: DICER1-related pleuropulmonary blastoma cancer predisposition syndrome; DICER1 syndrome. Identifiers: Orphanet 284343, MedGen C3839822, MONDO:0100216.
Hereditary cancer-predisposing syndrome. Also called: Tumor predisposition; Neoplastic Syndromes, Hereditary; Hereditary Cancer Syndrome; Hereditary neoplastic syndrome. Identifiers: Orphanet 140162, MedGen C0027672, MeSH D009386, MONDO:0015356.

gnomAD v4.1: 20 of 1,614,216 alleles (0.0012%); highest among the groups gnomAD compares: Non-Finnish European, 0.0017%; no homozygotes.

Submissions (2):

Labcorp Genetics (formerly Invitae), Labcorp
Classification: Uncertain significance for DICER1-related tumor predisposition. Last evaluated: 2025-10-05. Review status: criteria provided, single submitter. Criteria: Invitae Variant Classification Sherloc (09022015). Collection method: clinical testing. Allele origin: germline.
Comment: This sequence change replaces serine, which is neutral and polar, with asparagine, which is neutral and polar, at codon 1620 of the DICER1 protein (p.Ser1620Asn). This variant is not present in population databases (gnomAD no frequency). This variant has not been reported in the literature in individuals affected with DICER1-related conditions. ClinVar contains an entry for this variant (Variation ID: 477224). Invitae Evidence Modeling of protein sequence and biophysical properties (such as structural, functional, and spatial information, amino acid conservation, physicochemical variation, residue mobility, and thermodynamic stability) indicates that this missense variant is not expected to disrupt DICER1 protein function with a negative predictive value of 95%. In summary, the available evidence is currently insufficient to determine the role of this variant in disease. Therefore, it has been classified as a Variant of Uncertain Significance.

Ambry Genetics
Classification: Likely benign for Hereditary cancer-predisposing syndrome. Last evaluated: 2024-04-10. Review status: criteria provided, single submitter. Criteria: Ambry Variant Classification Scheme 2023. Collection method: clinical testing. Allele origin: germline.